The following is an entry in ClinVar:

NM_001371986.1(UNC80):c.9517A>G (p.Lys3173Glu)

Gene: UNC80 (unc-80 subunit of NALCN channel complex; plus strand). Cytogenetic location: 2q34.
Variant type: single nucleotide variant.
Coding change: c.9517A>G on transcript NM_001371986.1 (MANE Select); coding-DNA position 9517, A replaced by G.
Protein change: p.Lys3173Glu; replaces lysine 3173 with glutamic acid.
Molecular consequence: missense variant.
Genome position (GRCh38, 1-based): chr2:209,994,073, A>G. VCF-style: chr2-209994073-A-G. GRCh37 (hg19) VCF-style: chr2-210858797-A-G.
Other names: c.9319A>G, p.Lys3107Glu (NM_032504.2); c.9247A>G, p.Lys3083Glu (NM_182587.4); c.9319A>G (NM_032504.1); short protein forms K3083E, K3107E, K3173E.
Identifiers: ClinVar variation 1418494 (VCV001418494.4), dbSNP rs1399770366, ClinGen allele CA350415697.
Genomic context (GRCh38, chr2:209,994,073, plus strand): 5'-GGTCCGTTTCCACCAACTCCTCCCCAATTTACTGTTTCACCTCTACCTGCAGCGGATCAG[A>G]AACGATCTGTGACCTTCATTGAGGCTCAGCCAGAGCCAGCAGCTGCCCCAACAGATGCGC-3'
Protein context (NP_001358915.1, residues 3163-3183): QPKTKPSADQ[Lys3173Glu]RSVTFIEAQP

ClinVar aggregate classification (germline): Uncertain significance. Review status: criteria provided, multiple submitters, no conflicts (2 of 4 stars). 2 submissions from 2 submitters: Uncertain significance (2). Last evaluated 2025-04-28.

Conditions:
Inborn genetic diseases. Identifiers: MedGen C0950123, MeSH D030342.

Allele frequency attached by ClinVar (database versions not stated): gnomAD exomes 0.00003 and 0.00001.

Submissions (2):

Ambry Genetics
Classification: Uncertain significance for Inborn genetic diseases. Last evaluated: 2025-04-28. Review status: criteria provided, single submitter. Criteria: Ambry Variant Classification Scheme 2023. Collection method: clinical testing. Allele origin: germline.

Labcorp Genetics (formerly Invitae), Labcorp
Classification: Uncertain significance. Last evaluated: 2022-08-16. Review status: criteria provided, single submitter. Criteria: Invitae Variant Classification Sherloc (09022015). Collection method: clinical testing. Allele origin: germline.
Comment: This sequence change replaces lysine with glutamic acid at codon 3107 of the UNC80 protein (p.Lys3107Glu). The lysine residue is weakly conserved and there is a small physicochemical difference between lysine and glutamic acid. This variant is present in population databases (no rsID available, gnomAD 0.04%). This variant has not been reported in the literature in individuals affected with UNC80-related conditions. ClinVar contains an entry for this variant (Variation ID: 1418494). Algorithms developed to predict the effect of missense changes on protein structure and function are either unavailable or do not agree on the potential impact of this missense change (SIFT: "Not Available"; PolyPhen-2: "Benign"; Align-GVGD: "Not Available"). In summary, the available evidence is currently insufficient to determine the role of this variant in disease. Therefore, it has been classified as a Variant of Uncertain Significance.